The following is an entry in ClinVar:

ClinVar aggregate classification (germline): Pathogenic. Review status: criteria provided, multiple submitters, no conflicts (2 of 4 stars). 2 submissions from 2 submitters: Pathogenic (2). Last evaluated 2022-12-31.

Conditions:
Epidermolysis bullosa simplex 1C, localized. Also called: Localized epidermolysis bullosa simplex; EBS, ACRAL FORM; EPIDERMOLYSIS BULLOSA OF HANDS AND FEET; Weber-Cockayne Syndrome; Epidermolysis Bullosa Simplex, Weber-Cockayne Type. Identifiers: Orphanet 79400, MedGen C0080333, MONDO:0007551, OMIM 131800.

Allele frequency attached by ClinVar (database versions not stated): gnomAD exomes below 0.00001 and 0.00001; TOPMed below 0.00001; gnomAD 0.00001.
gnomAD v4.1: 3 of 1,613,668 alleles (0.00019%); highest among the groups gnomAD compares: Admixed American, 0.0017%; no homozygotes.

Submissions (2):

Labcorp Genetics (formerly Invitae), Labcorp
Classification: Pathogenic. Last evaluated: 2022-12-31. Review status: criteria provided, single submitter. Criteria: Invitae Variant Classification Sherloc (09022015). Collection method: clinical testing. Allele origin: germline.
Comment: This sequence change creates a premature translational stop signal (p.Gln842*) in the ITGB4 gene. It is expected to result in an absent or disrupted protein product. Loss-of-function variants in ITGB4 are known to be pathogenic (PMID: 11328943, 16473856). For these reasons, this variant has been classified as Pathogenic. ClinVar contains an entry for this variant (Variation ID: 1077026). This variant has not been reported in the literature in individuals affected with ITGB4-related conditions. This variant is present in population databases (no rsID available, gnomAD 0.003%).

Precision Medicine Center, Zhengzhou University
Classification: Pathogenic for Epidermolysis bullosa simplex 1C, localized. Review status: criteria provided, single submitter. Criteria: ACMG Guidelines, 2015. Collection method: research. Allele origin: germline. Affected: yes.
Comment: PVS1:Null variant in the gene with established LOF as a disease mechanism PM2:at extremely low frequency in gnomAD PP3:Multiple lines of computational evidence support a deleterious effect on the gene or gene product

Literature cited by the submitters: PubMed 11328943 (cited by Labcorp Genetics (formerly Invitae), Labcorp); PubMed 16473856 (cited by Labcorp Genetics (formerly Invitae), Labcorp).

NM_000213.5(ITGB4):c.2524C>T (p.Gln842Ter)

Gene: ITGB4 (integrin subunit beta 4; plus strand). Cytogenetic location: 17q25.1.
Variant type: single nucleotide variant.
Coding change: c.2524C>T on transcript NM_000213.5 (MANE Select); coding-DNA position 2524, C replaced by T.
Protein change: p.Gln842Ter; replaces glutamine 842 with a stop codon.
Molecular consequence: nonsense.
Genome position (GRCh38, 1-based): chr17:75,740,435, C>T. VCF-style: chr17-75740435-C-T. GRCh37 (hg19) VCF-style: chr17-73736516-C-T.
Other names: c.2524C>T, p.Gln842Ter (NM_001005619.2, NM_001005731.3, NM_001321123.2); short protein forms Q842*.
Identifiers: ClinVar variation 1077026 (VCV001077026.4), dbSNP rs1191616106, ClinGen allele CA401065278.